The following is an entry in ClinVar:

ClinVar aggregate classification (germline): Uncertain significance. Review status: criteria provided, multiple submitters, no conflicts (2 of 4 stars). 2 submissions from 2 submitters: Uncertain significance (2). Last evaluated 2025-11-20.

Conditions:
Immunodeficiency 82 with systemic inflammation. Identifiers: Orphanet 695807, MedGen C5543581, MONDO:0030308, OMIM 619381.

Submissions (2):

Dasa
Classification: Uncertain significance. Last evaluated: 2025-11-20. Review status: criteria provided, single submitter. Criteria: DASA Assertion Criteria. Collection method: clinical testing. Allele origin: germline.
Comment: NM_003177.7(SYK):c.967del (p.Tyr323Metfs*48) is a frameshift variant in SYK predicted to alter the reading frame and introduce a premature termination codon and is predicted to result in an absent or altered protein product. This variant is absent from population databases. The currently available literature and clinical evidence are not sufficient to establish a definitive association between this variant and the reported condition. Therefore, this variant is classified as a variant of uncertain significance.

Laboratorio de Genetica e Diagnostico Molecular, Hospital Israelita Albert Einstein
Classification: Uncertain significance for Immunodeficiency 82 with systemic inflammation. Last evaluated: 2023-10-06. Review status: criteria provided, single submitter. Criteria: ACMG Guidelines, 2015. Collection method: clinical testing. Allele origin: germline. Affected: yes.
Comment: ACMG classification criteria: PVS1 moderate, PM2 moderate

NM_003177.7(SYK):c.967del (p.Tyr323fs)

Gene: SYK (spleen associated tyrosine kinase; plus strand). Cytogenetic location: 9q22.2.
Variant type: Deletion.
Coding change: c.967del on transcript NM_003177.7 (MANE Select); coding-DNA position 967, one base deleted (T; older notation c.967delT).
Protein change: p.Tyr323fs; shifts the reading frame from tyrosine 323.
Molecular consequence: frameshift variant.
Genome position (GRCh38, 1-based): chr9:90,874,255, T deleted. VCF-style (leftmost placement, unchanged base first): chr9-90874254-GT-G. GRCh37 (hg19) VCF-style: chr9-93636536-GT-G.
Other names: c.898del, p.Tyr300fs (NM_001135052.4, NM_001174168.3); c.967del, p.Tyr323fs (NM_001174167.3); short protein forms Y300fs, Y323fs.
Identifiers: ClinVar variation 4076234 (VCV004076234.3).